The following is an entry in ClinVar:

NM_000748.3(CHRNB2):c.1324G>A (p.Asp442Asn)

Gene: CHRNB2 (cholinergic receptor nicotinic beta 2 subunit; plus strand). Cytogenetic location: 1q21.3.
Variant type: single nucleotide variant.
Coding change: c.1324G>A on transcript NM_000748.3 (MANE Select); coding-DNA position 1324, G replaced by A.
Protein change: p.Asp442Asn; replaces aspartic acid 442 with asparagine.
Molecular consequence: missense variant.
Genome position (GRCh38, 1-based): chr1:154,572,147, G>A. VCF-style: chr1-154572147-G-A. GRCh37 (hg19) VCF-style: chr1-154544623-G-A.
Other names: short protein forms D442N.
Identifiers: ClinVar variation 1810708 (VCV001810708.2), dbSNP rs1696185208, ClinGen allele CA342631936.
Genomic context (GRCh38, chr1:154,572,147, plus strand): 5'-TGTGGCCTCCGGGAGGCGGTGGACGGCGTGCGCTTCATCGCAGACCACATGCGGAGCGAG[G>A]ACGATGACCAGAGCGTGAGTGCCGCAGGCTGGGACCCCGGGCGTGAGATATGGGGTCTGC-3'
Protein context (NP_000739.1, residues 432-452): RFIADHMRSE[Asp442Asn]DDQSVSEDWK

ClinVar aggregate classification (germline): Uncertain significance (1 of 4 stars; one submission).

Allele frequency attached by ClinVar (database versions not stated): gnomAD exomes below 0.00001; TOPMed below 0.00001.
gnomAD v4.1: 4 of 1,537,844 alleles (0.00026%); highest among the groups gnomAD compares: African/African-American, 0.0014%; no homozygotes.

Submission:

GeneDx
Classification: Uncertain significance. Last evaluated: 2023-09-23. Review status: criteria provided, single submitter. Criteria: GeneDx Variant Classification Process June 2021. Collection method: clinical testing. Allele origin: germline.
Comment: Not observed at significant frequency in large population cohorts (gnomAD); In silico analysis supports that this missense variant has a deleterious effect on protein structure/function; Has not been previously published as pathogenic or benign to our knowledge